The following is an entry in ClinVar:

NM_004977.3(KCNC3):c.596T>C (p.Leu199Pro)

Gene: KCNC3 (potassium voltage-gated channel subfamily C member 3; minus strand). Cytogenetic location: 19q13.33.
Variant type: single nucleotide variant.
Coding change: c.596T>C on transcript NM_004977.3 (MANE Select); coding-DNA position 596, T replaced by C.
Protein change: p.Leu199Pro; replaces leucine 199 with proline.
Molecular consequence: missense variant.
Genome position (GRCh38, 1-based): chr19:50,328,487, A>G on the plus strand (T>C on the coding strand, the complement: KCNC3 is on the minus strand). VCF-style: chr19-50328487-A-G. GRCh37 (hg19) VCF-style: chr19-50831744-A-G.
Other names: c.368T>C, p.Leu123Pro (NM_001372305.1); short protein forms L123P, L199P.
Identifiers: ClinVar variation 5020006 (VCV005020006.1).

ClinVar aggregate classification (germline): Uncertain significance (1 of 4 stars; one submission).

Conditions:
Spinocerebellar ataxia type 13 (SCA13). Also called: Spinocerebellar Ataxia Type13. Identifiers: Orphanet 98768, MedGen C1854488, MONDO:0011529, OMIM 605259.

Submission:

Juno Genomics, Hangzhou Juno Genomics, Inc
Classification: Uncertain significance for Spinocerebellar ataxia type 13. Review status: criteria provided, single submitter. Criteria: ACMG Guidelines, 2015. Collection method: clinical testing. Allele origin: germline. Affected: yes.
Comment: Absent from controls (or at extremely low frequency if recessive) in Genome Aggregation Database.;Multiple lines of computational evidence support a deleterious effect on the gene or gene product.;De novo (both maternity and paternity confirmed) in a patient with the disease and no family history.;Patient's phenotype or family history is highly specific for a disease with a single genetic etiology.